The following is an entry in ClinVar:

ClinVar aggregate classification (germline): Pathogenic. Review status: criteria provided, multiple submitters, no conflicts (2 of 4 stars). 10 submissions from 10 submitters: Pathogenic (8). 2 of the submissions do not count toward it. Last evaluated 2026-09-17.

Conditions:
CFH-related disorder. Also called: CFH-related disorders; CFH-related condition.
Age related macular degeneration 4. Identifiers: MedGen C1853147, MONDO:0012540, OMIM 610698.
Factor H deficiency (CFHD). Also called: COMPLEMENT FACTOR H DEFICIENCY; CFH DEFICIENCY. Identifiers: Orphanet 200421, MedGen C0398777, MONDO:0012350, OMIM 609814.
Hemolytic uremic syndrome, atypical, susceptibility to, 1. Also called: AHUS, SUSCEPTIBILITY TO, 1. Identifiers: Orphanet 2134, Orphanet 90038, MedGen C2749604, MONDO:0009335, OMIM 235400. Disease mechanism: Other.
Basal laminar drusen. Also called: DRUSEN, EARLY ADULT-ONSET, GROUPED; DRUSEN OF BRUCH MEMBRANE; DRUSEN, CUTICULAR. Identifiers: Orphanet 75376, MedGen C0730295, MONDO:0007472, OMIM 126700.
Atypical hemolytic-uremic syndrome. Identifiers: Orphanet 2134, MedGen C2931788, MONDO:0016244.

Submissions (10):

Genomenon, Inc
Classification: Pathogenic for Atypical hemolytic-uremic syndrome. Last evaluated: 2026-09-17. Review status: criteria provided, single submitter. Criteria: Genomenon Sequence Variant Interpretation Standards - Updated. Collection method: curation. Allele origin: germline. Affected: yes.
Comment: CFH p.Ser1191Leu (c.3572C>T) is a missense variant that changes the amino acid at codon 1191 from serine to leucine. This variant has been observed in at least one proband affected with atypical hemolytic-uremic syndrome (PMID: 29888403; 20513133; 22410797; 25037630; 24853860; 31791575; 30905589; 26880462; 33213850; 34852172; 28858176; 23431077). The variant was found to segregate with disease in at least one affected family (PMID: 15300478; 19005013). At least one functional study has demonstrated a substantial alteration in protein function relative to the wild-type (PMID: 19454698). It is absent or not present at a significant frequency in gnomAD. In silico models predict that this variant is not damaging. In conclusion, we classify CFH p.Ser1191Leu (c.3572C>T) as a pathogenic variant.

3billion
Classification: Pathogenic for Hemolytic uremic syndrome, atypical, susceptibility to, 1. Last evaluated: 2025-11-14. Review status: criteria provided, single submitter. Criteria: ACMG Guidelines, 2015. Collection method: clinical testing. Allele origin: germline. Affected: yes.
Comment: The variant is observed at an extremely low frequency in the gnomAD v4.1.0 dataset (total allele frequency: <0.001%). Predicted Consequence/Location: Missense variant Functional studies provide strong evidence of the variant having a damaging effect on the gene or gene product (PMID: 16470555). The same nucleotide change resulting in the same amino acid change has been previously reported as pathogenic/likely pathogenic with strong evidence (ClinVar ID: VCV000016545 /PMID: 10577907). The variant has been reported to be in trans with a pathogenic variant as either compound heterozygous or homozygous in at least 2 similarly affected unrelated individuals (PMID: 16470555). A different missense change at the same codon (p.Ser1191Trp) has been reported to be associated with CFH-related disorder (PMID: 15163532). Therefore, this variant is classified as Pathogenic according to the recommendation of ACMG/AMP guideline.

GeneDx
Classification: Pathogenic. Last evaluated: 2025-04-28. Review status: criteria provided, single submitter. Criteria: GeneDx Variant Classification Process June 2021. Collection method: clinical testing. Allele origin: germline. Affected: yes.
Comment: Not observed at significant frequency in large population cohorts (gnomAD); Published functional studies demonstrate a damaging effect on protein function (PMID: 34189567); In silico analysis supports that this missense variant has a deleterious effect on protein structure/function; This variant is associated with the following publications: (PMID: 35969277, 37369098, 37744338, 34714369, 30905589, 33213850, 19625720, 19856002, 34169201, 35790695, 17076561, 26826462, 25733390, 24656451, 22410797, 33841858, 25443527, 29218045, 28637873, 29215813, 22320225, 21317894, 37103770, 16601698, 16470555, 19454698, 25659429, 33732239, 28275964, 33841869, 17076562, 36845135, 10577907, 23431077, 18483746, 34447663, 34189567, 21161283, 19854549, 39009967, 29888403, 19005013, 16431247, 21647646)

Mayo Clinic Laboratories, Mayo Clinic
Classification: Pathogenic. Last evaluated: 2025-02-20. Review status: criteria provided, single submitter. Criteria: ACMG Guidelines, 2015. Collection method: clinical testing. Allele origin: germline. Observed: 5 variant alleles.
Comment: BP4, PM1, PM2_supporting, PS2_moderate, PS3, PS4_moderate

Fulgent Genetics
Classification: Pathogenic for Basal laminar drusen; Hemolytic uremic syndrome, atypical, susceptibility to, 1; Factor H deficiency; Age related macular degeneration 4. Last evaluated: 2024-01-08. Review status: criteria provided, single submitter. Criteria: ACMG Guidelines, 2015. Collection method: clinical testing. Allele origin: germline.

Genome-Nilou Lab
Classification: Pathogenic for Factor H deficiency. Last evaluated: 2023-04-11. Review status: criteria provided, single submitter. Criteria: ACMG Guidelines, 2015. Collection method: clinical testing. Allele origin: germline. Affected: no.

Women's Health and Genetics/Laboratory Corporation of America, LabCorp
Classification: Pathogenic. Last evaluated: 2022-04-08. Review status: criteria provided, single submitter. Criteria: LabCorp Variant Classification Summary - May 2015. Collection method: clinical testing. Allele origin: germline.
Comment: Variant summary: CFH c.3572C>T (p.Ser1191Leu) results in a non-conservative amino acid change located in the last (i.e. the C-terminal) sushi/SCR/CCP repeat domain (IPR000436) of the encoded protein sequence. Four of five in-silico tools predict a benign effect of the variant on protein function. The variant was absent in 251154 control chromosomes (gnomAD v2.1). The variant, c.3572C>T, has been reported in the literature in several individuals (see HGMD, OMIM), who were affected with atypical hemolytic uremic syndrome (aHUS); notably, in a proportion of the reported cases this variant occurred in combination with Val1197Ala (including 2 proven de novo cases), as a result of a gene conversion event (see Heinen_2006). Publications reported experimental evidence evaluating an impact on protein function, and demonstrated that the variant in isolation resulted in defects of activities characteristic for the functions of C-terminal region of the protein (Heinen_2006, Merinero_2021). Of note, the variant in combination (i.e. in cis) with Val1197Ala also was associated with a defective function (Heinen_2006). One clinical diagnostic laboratory has submitted clinical-significance assessments for this variant to ClinVar after 2014 without evidence for independent evaluation, and classified the variant as pathogenic. Based on the evidence outlined above, the variant was classified as pathogenic.

Breakthrough Genomics
Classification: Pathogenic for Hemolytic uremic syndrome, atypical, susceptibility to, 1. Last evaluated: 2020-10-08. Review status: criteria provided, single submitter. Criteria: ACMG Guidelines, 2015. Collection method: clinical testing. Allele origin: germline. Affected: yes.
Comment: This variant was previously reported in heterozygous, compound heterozygous and homozygous state in patients with atypical hemolytic uremic syndrome and was shown to segregate with the disease and classified as pathogenic [PMID: 10577907, 19854549, 19454698, 28596415, 20301541]. Functional studies showed the variant resulted in impaired C3b binding and a defective capacity to control complement activation on cellular surfaces [PMID: 16470555].

OMIM
Classification: risk factor for HEMOLYTIC UREMIC SYNDROME, ATYPICAL, SUSCEPTIBILITY TO, 1. Last evaluated: 2000-05-01. Review status: no assertion criteria provided. Collection method: literature only. Allele origin: germline. Not counted in ClinVar's aggregate classification.

GeneReviews
No classification provided. Condition: Hemolytic uremic syndrome, atypical, susceptibility to, 1. Review status: no classification provided. Collection method: literature only. Allele origin: unknown. Not counted in ClinVar's aggregate classification.

Literature cited by the submitters: PubMed 29888403 (cited by Genomenon, Inc); PubMed 20513133 (cited by Genomenon, Inc); PubMed 22410797 (cited by Genomenon, Inc); PubMed 25037630 (cited by Genomenon, Inc); PubMed 24853860 (cited by Genomenon, Inc); PubMed 31791575 (cited by Genomenon, Inc); PubMed 30905589 (cited by Genomenon, Inc and Mayo Clinic Laboratories, Mayo Clinic); PubMed 26880462 (cited by Genomenon, Inc); PubMed 33213850 (cited by Genomenon, Inc); PubMed 34852172 (cited by Genomenon, Inc); PubMed 28858176 (cited by Genomenon, Inc); PubMed 23431077 (cited by Genomenon, Inc); PubMed 15300478 (cited by Genomenon, Inc); PubMed 19005013 (cited by Genomenon, Inc); PubMed 19454698 (cited by Genomenon, Inc and Mayo Clinic Laboratories, Mayo Clinic); PubMed 15163532 (cited by 3billion); PubMed 10577907 (cited by 3 submitters); PubMed 16470555 (cited by 4 submitters); PubMed 11170896 (cited by Mayo Clinic Laboratories, Mayo Clinic); PubMed 16889549 (cited by Mayo Clinic Laboratories, Mayo Clinic); PubMed 19625720 (cited by Mayo Clinic Laboratories, Mayo Clinic); PubMed 19854549 (cited by Mayo Clinic Laboratories, Mayo Clinic); PubMed 19856002 (cited by Mayo Clinic Laboratories, Mayo Clinic); PubMed 21161283 (cited by Mayo Clinic Laboratories, Mayo Clinic); PubMed 21317894 (cited by Mayo Clinic Laboratories, Mayo Clinic); PubMed 22320225 (cited by Mayo Clinic Laboratories, Mayo Clinic); PubMed 26826462 (cited by Mayo Clinic Laboratories, Mayo Clinic); PubMed 27905547 (cited by Mayo Clinic Laboratories, Mayo Clinic); PubMed 34189567 (cited by Mayo Clinic Laboratories, Mayo Clinic and Women's Health and Genetics/Laboratory Corporation of America, LabCorp); PubMed 37744338 (cited by Mayo Clinic Laboratories, Mayo Clinic); PubMed 9811382 (cited by OMIM and GeneReviews); PubMed 10762557 (cited by OMIM and GeneReviews); PubMed 17076561 (cited by GeneReviews); PubMed 20301541 (cited by GeneReviews); NCBI Bookshelf NBK1367 (cited by GeneReviews).

NM_000186.4(CFH):c.3572C>T (p.Ser1191Leu)

Gene: CFH (complement factor H; plus strand). Cytogenetic location: 1q31.3.
Variant type: single nucleotide variant.
Coding change: c.3572C>T on transcript NM_000186.4 (MANE Select); coding-DNA position 3572, C replaced by T.
Protein change: p.Ser1191Leu; replaces serine 1191 with leucine.
Molecular consequence: missense variant.
Genome position (GRCh38, 1-based): chr1:196,747,189, C>T. VCF-style: chr1-196747189-C-T. GRCh37 (hg19) VCF-style: chr1-196716319-C-T.
Other names: CFH, SER1191LEU (rs460897); p.Ser1191Leu; short protein forms S1191L.
Identifiers: ClinVar variation 16545 (VCV000016545.19), dbSNP rs460897, ClinGen allele CA341428.